The following is an entry in ClinVar:

NM_199340.5(LRRC37A3):c.2508C>T (p.Cys836=)

Gene: LRRC37A3 (leucine rich repeat containing 37 member A3). Cytogenetic location: 17q24.1.
Variant type: single nucleotide variant.
Coding change: c.2508C>T on transcript NM_199340.5 (MANE Select); coding-DNA position 2508, C replaced by T.
Protein change: p.Cys836=; no amino-acid change (cysteine 836 retained).
Molecular consequence: synonymous variant. On other transcripts: intron variant (1).
Genome position (GRCh38, 1-based): chr17:64,894,750, G>A on the plus strand (C>T on the coding strand, the complement: LRRC37A3 is on the minus strand). VCF-style: chr17-64894750-G-A. GRCh37 (hg19) VCF-style: chr17-62890868-G-A.
Other names: c.117-2150C>T (NM_001303255.3).
Identifiers: ClinVar variation 2648103 (VCV002648103.24), dbSNP rs1213278307, ClinGen allele CA501464698.

ClinVar aggregate classification (germline): Likely benign (1 of 4 stars; one submission).

Submission:

CeGaT Center for Human Genetics Tuebingen
Classification: Likely benign. Last evaluated: 2022-08-01. Review status: criteria provided, single submitter. Criteria: CeGaT Center For Human Genetics Tuebingen Variant Classification Criteria Version 2. Collection method: clinical testing. Allele origin: germline. Affected: yes. Observed: 1 variant allele.
Comment: LRRC37A3: BP4, BP7